The following is an entry in ClinVar:

ClinVar aggregate classification (germline): Uncertain significance (1 of 4 stars; one submission).

Allele frequency attached by ClinVar (database versions not stated): TOPMed below 0.00001; gnomAD 0.00001.

Submission:

Labcorp Genetics (formerly Invitae), Labcorp
Classification: Uncertain significance. Last evaluated: 2021-05-18. Review status: criteria provided, single submitter. Criteria: Invitae Variant Classification Sherloc (09022015). Collection method: clinical testing. Allele origin: germline.
Comment: In summary, the available evidence is currently insufficient to determine the role of this variant in disease. Therefore, it has been classified as a Variant of Uncertain Significance. Algorithms developed to predict the effect of missense changes on protein structure and function (SIFT, PolyPhen-2, Align-GVGD) all suggest that this variant is likely to be tolerated, but these predictions have not been confirmed by published functional studies and their clinical significance is uncertain. This variant has not been reported in the literature in individuals with WNT1-related conditions. This variant is not present in population databases (ExAC no frequency). This sequence change replaces threonine with isoleucine at codon 209 of the WNT1 protein (p.Thr209Ile). The threonine residue is highly conserved and there is a moderate physicochemical difference between threonine and isoleucine.

NM_005430.4(WNT1):c.626C>T (p.Thr209Ile)

Gene: WNT1 (Wnt family member 1; plus strand). Cytogenetic location: 12q13.12.
Variant type: single nucleotide variant.
Coding change: c.626C>T on transcript NM_005430.4 (MANE Select); coding-DNA position 626, C replaced by T.
Protein change: p.Thr209Ile; replaces threonine 209 with isoleucine.
Molecular consequence: missense variant.
Genome position (GRCh38, 1-based): chr12:48,981,153, C>T. VCF-style: chr12-48981153-C-T. GRCh37 (hg19) VCF-style: chr12-49374936-C-T.
Other names: short protein forms T209I.
Identifiers: ClinVar variation 1369395 (VCV001369395.8), dbSNP rs1275738050, ClinGen allele CA384633150.